The following is an entry in ClinVar:

ClinVar aggregate classification (germline): Uncertain significance (1 of 4 stars; one submission).

Conditions:
Microcephaly, normal intelligence and immunodeficiency (NBS). Also called: IMMUNODEFICIENCY, MICROCEPHALY, AND CHROMOSOMAL INSTABILITY; Immunodeficiency, microcephaly with normal intelligence; SEEMANOVA SYNDROME II; Ataxia telangiectasia variant V1; Microcephaly with normal intelligence immunodeficiency and lymphoreticular malignancies; Nonsyndromal microcephaly autosomal recessive with normal intelligence. Identifiers: Orphanet 647, MedGen C0398791, MONDO:0009623, OMIM 251260.

Allele frequency attached by ClinVar (database versions not stated): TOPMed below 0.00001.

Submission:

Labcorp Genetics (formerly Invitae), Labcorp
Classification: Uncertain significance for Microcephaly, normal intelligence and immunodeficiency. Last evaluated: 2018-08-23. Review status: criteria provided, single submitter. Criteria: Invitae Variant Classification Sherloc (09022015). Collection method: clinical testing. Allele origin: germline.
Comment: This sequence change replaces glutamine with arginine at codon 234 of the NBN protein (p.Gln234Arg). The glutamine residue is highly conserved and there is a small physicochemical difference between glutamine and arginine. This variant is not present in population databases (ExAC no frequency). This variant has not been reported in the literature in individuals with NBN-related disease. Algorithms developed to predict the effect of missense changes on protein structure and function are either unavailable or do not agree on the potential impact of this missense change (SIFT: "Tolerated"; PolyPhen-2: "Probably Damaging"; Align-GVGD: "Class C0"). Algorithms developed to predict the effect of sequence changes on RNA splicing suggest that this variant may disrupt the consensus splice site, but this prediction has not been confirmed by published transcriptional studies. In summary, the available evidence is currently insufficient to determine the role of this variant in disease. Therefore, it has been classified as a Variant of Uncertain Significance.

NM_002485.5(NBN):c.701A>G (p.Gln234Arg)

Gene: NBN (nibrin; minus strand). Cytogenetic location: 8q21.3.
Variant type: single nucleotide variant.
Coding change: c.701A>G on transcript NM_002485.5 (MANE Select); coding-DNA position 701, A replaced by G.
Protein change: p.Gln234Arg; replaces glutamine 234 with arginine.
Molecular consequence: missense variant.
Genome position (GRCh38, 1-based): chr8:89,971,174, T>C on the plus strand (A>G on the coding strand, the complement: NBN is on the minus strand). VCF-style: chr8-89971174-T-C. GRCh37 (hg19) VCF-style: chr8-90983402-T-C.
Other names: c.455A>G, p.Gln152Arg (NM_001024688.3); short protein forms Q152R, Q234R.
Identifiers: ClinVar variation 644427 (VCV000644427.8), dbSNP rs1586088352, ClinGen allele CA371658918.